The following is an entry in ClinVar:

ClinVar aggregate classification (germline): Uncertain significance (1 of 4 stars; one submission).

gnomAD v4.1: 12 of 1,613,514 alleles (0.00074%); highest among the groups gnomAD compares: South Asian, 0.013%; no homozygotes.

Submission:

Labcorp Genetics (formerly Invitae), Labcorp
Classification: Uncertain significance. Last evaluated: 2025-10-29. Review status: criteria provided, single submitter. Criteria: Invitae Variant Classification Sherloc (09022015). Collection method: clinical testing. Allele origin: germline.
Comment: This sequence change replaces glutamic acid, which is acidic and polar, with alanine, which is neutral and non-polar, at codon 650 of the LIG1 protein (p.Glu650Ala). This variant is present in population databases (rs763838510, gnomAD 0.02%). This variant has not been reported in the literature in individuals affected with LIG1-related conditions. An algorithm developed to predict the effect of missense changes on protein structure and function (PolyPhen-2) suggests that this variant is likely to be tolerated. In summary, the available evidence is currently insufficient to determine the role of this variant in disease. Therefore, it has been classified as a Variant of Uncertain Significance.

NM_000234.3(LIG1):c.1949A>C (p.Glu650Ala)

Gene: LIG1 (DNA ligase 1; minus strand). Cytogenetic location: 19q13.33.
Variant type: single nucleotide variant.
Coding change: c.1949A>C on transcript NM_000234.3 (MANE Select); coding-DNA position 1949, A replaced by C.
Protein change: p.Glu650Ala; replaces glutamic acid 650 with alanine.
Molecular consequence: missense variant. On other transcripts: non-coding transcript variant (6).
Genome position (GRCh38, 1-based): chr19:48,127,332, T>G on the plus strand (A>C on the coding strand, the complement: LIG1 is on the minus strand). VCF-style: chr19-48127332-T-G. GRCh37 (hg19) VCF-style: chr19-48630589-T-G.
Other names: c.1856A>C, p.Glu619Ala (NM_001289063.2); c.1745A>C, p.Glu582Ala (NM_001289064.2); c.1946A>C, p.Glu649Ala (NM_001320970.2); c.1859A>C, p.Glu620Ala (NM_001320971.2); short protein forms E620A, E649A, E650A, E619A, E582A.
Identifiers: ClinVar variation 4766989 (VCV004766989.1).